The following is an entry in ClinVar:

ClinVar aggregate classification (germline): Uncertain significance (1 of 4 stars; one submission).

Conditions:
Noonan syndrome 9 (NS9). Identifiers: Orphanet 648, MedGen C4225282, MONDO:0014691, OMIM 616559.

gnomAD v4.1: 11 of 1,612,866 alleles (0.00068%); highest among the groups gnomAD compares: Non-Finnish European, 0.00093%; no homozygotes.

Submission:

Victorian Clinical Genetics Services, Murdoch Childrens Research Institute
Classification: Uncertain significance for Noonan syndrome 9. Last evaluated: 2020-10-19. Review status: criteria provided, single submitter. Criteria: ACMG Guidelines, 2015. Collection method: clinical testing. Allele origin: germline. Inheritance: Autosomal dominant inheritance.
Comment: Based on the classification scheme VCGS_Germline_v1.3.3, this variant is classified as 3C-VUS. Following criteria are met: 0101 - Gain of function is a known mechanism of disease in this gene and is associated with Noonan syndrome 9 (MIM#616559). Functional studies showed missense variants resulted in enhanced activation of RAF-MEK-ERK signaling cascade (PMID:26173643). (I) 0107 - This gene is associated with autosomal dominant disease. (I) 0200 - Variant is predicted to result in a missense amino acid change from isoleucine to phenylalanine. (I) 0251 - This variant is heterozygous. (I) 0301 - Variant is absent from gnomAD (both v2 and v3). (SP) 0309 - An alternative amino acid change at the same position has been observed in gnomAD (v2.1.1) (1 heterozygote, 0 homozygotes). (I) 0503 - Missense variant consistently predicted to be tolerated by multiple in silico tools or not conserved in placental mammals with a minor amino acid change. (SB) 0600 - Variant is located in the annotated RasGEF N-terminal motif (PDB). (I) 0705 - No comparable missense variants have previous evidence for pathogenicity. (I) 0807 - This variant has no previous evidence of pathogenicity. (I) 0905 - No published segregation evidence has been identified for this variant. (I) 1007 - No published functional evidence has been identified for this variant. (I) 1208 - Inheritance information for this variant is not currently available in this individual. (I) Legend: (SP) - Supporting pathogenic, (I) - Information, (SB) - Supporting benign

Literature cited by the submitters: PubMed 26173643.

NM_006939.4(SOS2):c.2002A>T (p.Ile668Phe)

Gene: SOS2 (SOS Ras/Rho guanine nucleotide exchange factor 2; minus strand). Cytogenetic location: 14q21.3.
Variant type: single nucleotide variant.
Coding change: c.2002A>T on transcript NM_006939.4 (MANE Select); coding-DNA position 2002, A replaced by T.
Protein change: p.Ile668Phe; replaces isoleucine 668 with phenylalanine.
Molecular consequence: missense variant.
Genome position (GRCh38, 1-based): chr14:50,157,054, T>A on the plus strand (A>T on the coding strand, the complement: SOS2 is on the minus strand). VCF-style: chr14-50157054-T-A. GRCh37 (hg19) VCF-style: chr14-50623772-T-A.
Other names: c.1903A>T, p.Ile635Phe (NM_001411020.1); short protein forms I635F, I668F.
Identifiers: ClinVar variation 1806090 (VCV001806090.1), dbSNP rs1191421731, ClinGen allele CA389644458.